The following is an entry in ClinVar:

NM_206933.4(USH2A):c.6932C>T (p.Ala2311Val)

Gene: USH2A (usherin; minus strand). Cytogenetic location: 1q41.
Variant type: single nucleotide variant.
Coding change: c.6932C>T on transcript NM_206933.4 (MANE Select); coding-DNA position 6932, C replaced by T.
Protein change: p.Ala2311Val; replaces alanine 2311 with valine.
Molecular consequence: missense variant.
Genome position (GRCh38, 1-based): chr1:215,970,650, G>A on the plus strand (C>T on the coding strand, the complement: USH2A is on the minus strand). VCF-style: chr1-215970650-G-A. GRCh37 (hg19) VCF-style: chr1-216143992-G-A.
Other names: short protein forms A2311V.
Identifiers: ClinVar variation 1441679 (VCV001441679.5), dbSNP rs1273975195, ClinGen allele CA344853941.
Genomic context (GRCh38, chr1:215,970,650, plus strand): 5'-TAACACATTCCTAGAATGTAAATTTAGATACTCACCAGTGGGCCCAGAGCACAACCTTTG[G>A]CCGTGCATGCTTGGACTCTGAAGGAATGTAAACTCCAAGGAGCAAATCCGTAAGCACGAT-3'
Protein context (NP_996816.3, residues 2301-2321): LHSFRVQACT[Ala2311Val]KGCALGPLVE

ClinVar aggregate classification (germline): Uncertain significance (1 of 4 stars; one submission).

Allele frequency attached by ClinVar (database versions not stated): gnomAD exomes below 0.00001; TOPMed below 0.00001.
gnomAD v4.1: 1 of 1,613,616 alleles (0.000062%); highest among the groups gnomAD compares: Non-Finnish European, 0.000085%; no homozygotes.

Submission:

Labcorp Genetics (formerly Invitae), Labcorp
Classification: Uncertain significance. Last evaluated: 2021-09-17. Review status: criteria provided, single submitter. Criteria: Invitae Variant Classification Sherloc (09022015). Collection method: clinical testing. Allele origin: germline.
Comment: This sequence change replaces alanine with valine at codon 2311 of the USH2A protein (p.Ala2311Val). The alanine residue is highly conserved and there is a small physicochemical difference between alanine and valine. This variant is not present in population databases (ExAC no frequency). This variant has not been reported in the literature in individuals with USH2A-related conditions. Algorithms developed to predict the effect of missense changes on protein structure and function output the following: SIFT: "Deleterious"; PolyPhen-2: "Benign"; Align-GVGD: "Class C0". The valine amino acid residue is found in multiple mammalian species, suggesting that this missense change does not adversely affect protein function. These predictions have not been confirmed by published functional studies and their clinical significance is uncertain. In summary, the available evidence is currently insufficient to determine the role of this variant in disease. Therefore, it has been classified as a Variant of Uncertain Significance.